The following is an entry in ClinVar:

ClinVar aggregate classification (germline): Uncertain significance (1 of 4 stars; one submission).

gnomAD v4.1: 3 of 1,613,314 alleles (0.00019%); highest among the groups gnomAD compares: Non-Finnish European, 0.00025%; no homozygotes.

Submission:

Labcorp Genetics (formerly Invitae), Labcorp
Classification: Uncertain significance. Last evaluated: 2025-10-07. Review status: criteria provided, single submitter. Criteria: Invitae Variant Classification Sherloc (09022015). Collection method: clinical testing. Allele origin: germline.
Comment: This sequence change replaces lysine, which is basic and polar, with asparagine, which is neutral and polar, at codon 1247 of the PCLO protein (p.Lys1247Asn). This variant is present in population databases (rs368789795, gnomAD 0.0009%). This variant has not been reported in the literature in individuals affected with PCLO-related conditions. Experimental studies and prediction algorithms are not available or were not evaluated, and the functional significance of this variant is currently unknown. In summary, the available evidence is currently insufficient to determine the role of this variant in disease. Therefore, it has been classified as a Variant of Uncertain Significance.

NM_033026.6(PCLO):c.3741G>T (p.Lys1247Asn)

Gene: PCLO (piccolo presynaptic cytomatrix protein; minus strand). Cytogenetic location: 7q21.11.
Variant type: single nucleotide variant.
Coding change: c.3741G>T on transcript NM_033026.6 (MANE Select); coding-DNA position 3741, G replaced by T.
Protein change: p.Lys1247Asn; replaces lysine 1247 with asparagine.
Molecular consequence: missense variant.
Genome position (GRCh38, 1-based): chr7:82,966,047, C>A on the plus strand (G>T on the coding strand, the complement: PCLO is on the minus strand). VCF-style: chr7-82966047-C-A. GRCh37 (hg19) VCF-style: chr7-82595363-C-A.
Other names: c.3741G>T, p.Lys1247Asn (NM_014510.3); short protein forms K1247N.
Identifiers: ClinVar variation 4750913 (VCV004750913.1).